The following is an entry in ClinVar:

ClinVar aggregate classification (germline): Uncertain significance (1 of 4 stars; one submission).

Submission:

Dasa
Classification: Uncertain significance. Last evaluated: 2026-05-08. Review status: criteria provided, single submitter. Criteria: DASA Assertion Criteria. Collection method: clinical testing. Allele origin: germline.
Comment: NM_001347886.2(DNAH3):c.8720T>G (p.Leu2907Trp) is a missense variant that results in the substitution of leucine with tryptophan. This variant is rare in population databases. Computational prediction algorithms are consistent with a deleterious effect. The currently available literature and clinical evidence are not sufficient to establish a definitive association between this variant and the reported condition. Therefore, this variant is classified as a variant of uncertain significance.

NM_001347886.2(DNAH3):c.8720T>G (p.Leu2907Trp)

Gene: DNAH3 (dynein axonemal heavy chain 3; minus strand). Cytogenetic location: 16p12.3.
Variant type: single nucleotide variant.
Coding change: c.8720T>G on transcript NM_001347886.2 (MANE Select); coding-DNA position 8720, T replaced by G.
Protein change: p.Leu2907Trp; replaces leucine 2907 with tryptophan.
Molecular consequence: missense variant.
Genome position (GRCh38, 1-based): chr16:20,965,026, A>C on the plus strand (T>G on the coding strand, the complement: DNAH3 is on the minus strand). VCF-style: chr16-20965026-A-C. GRCh37 (hg19) VCF-style: chr16-20976348-A-C.
Other names: c.8858T>G, p.Leu2953Trp (NM_017539.2); short protein forms L2907W, L2953W.
Identifiers: ClinVar variation 5020594 (VCV005020594.1).